The following is an entry in ClinVar:

NM_001035.3(RYR2):c.1526G>A (p.Ser509Asn)

Gene: RYR2 (ryanodine receptor 2; plus strand). Cytogenetic location: 1q43.
Variant type: single nucleotide variant.
Coding change: c.1526G>A on transcript NM_001035.3 (MANE Select); coding-DNA position 1526, G replaced by A.
Protein change: p.Ser509Asn; replaces serine 509 with asparagine.
Molecular consequence: missense variant.
Genome position (GRCh38, 1-based): chr1:237,456,649, G>A. VCF-style: chr1-237456649-G-A. GRCh37 (hg19) VCF-style: chr1-237619949-G-A.
Other names: short protein forms S509N.
Identifiers: ClinVar variation 1035155 (VCV001035155.12), dbSNP rs1558850631, ClinGen allele CA16621970.

ClinVar aggregate classification (germline): Uncertain significance. Review status: criteria provided, multiple submitters, no conflicts (2 of 4 stars). 3 submissions from 3 submitters: Uncertain significance (3). Last evaluated 2024-01-28.

Conditions:
Catecholaminergic polymorphic ventricular tachycardia (CVPT). Also called: Catecholamine-induced polymorphic ventricular tachycardia. Identifiers: Orphanet 3286, MedGen C5574922, MONDO:0017990.
Catecholaminergic polymorphic ventricular tachycardia 1. Also called: RYR2-Related Catecholaminergic Polymorphic Ventricular Tachycardia; VENTRICULAR TACHYCARDIA, STRESS-INDUCED POLYMORPHIC 1; VENTRICULAR TACHYCARDIA, CATECHOLAMINERGIC POLYMORPHIC, 1, WITH OR WITHOUT ATRIAL DYSFUNCTION AND/OR DILATED CARDIOMYOPATHY. Identifiers: Orphanet 3286, MedGen C1631597, MONDO:0011484, OMIM 604772.

Allele frequency attached by ClinVar (database versions not stated): gnomAD 0.00001.
gnomAD v4.1: 12 of 1,612,114 alleles (0.00074%); highest among the groups gnomAD compares: Non-Finnish European, 0.001%; no homozygotes.

Submissions (3):

Women's Health and Genetics/Laboratory Corporation of America, LabCorp
Classification: Uncertain significance. Last evaluated: 2024-01-28. Review status: criteria provided, single submitter. Criteria: LabCorp Variant Classification Summary - May 2015. Collection method: clinical testing. Allele origin: germline.

All of Us Research Program, National Institutes of Health
Classification: Uncertain significance for Catecholaminergic polymorphic ventricular tachycardia. Last evaluated: 2023-08-15. Review status: criteria provided, single submitter. Criteria: ACMG Guidelines, 2015. Collection method: clinical testing. Allele origin: germline. Inheritance: Autosomal dominant inheritance. Observed: 2 variant alleles, 2 heterozygotes.
Comment: This study involves interpretation of variants in research participants for the purpose of population health screening. Participant phenotype was not available at the time of variant classification. Additional details can be found in publication PMID: 35346344, PMCID: PMC8962531

Labcorp Genetics (formerly Invitae), Labcorp
Classification: Uncertain significance for Catecholaminergic polymorphic ventricular tachycardia 1. Last evaluated: 2020-08-25. Review status: criteria provided, single submitter. Criteria: Invitae Variant Classification Sherloc (09022015). Collection method: clinical testing. Allele origin: germline.
Comment: This sequence change replaces serine with asparagine at codon 509 of the RYR2 protein (p.Ser509Asn). The serine residue is highly conserved and there is a small physicochemical difference between serine and asparagine. This variant is not present in population databases (ExAC no frequency). This variant has not been reported in the literature in individuals with RYR2-related disease. Algorithms developed to predict the effect of missense changes on protein structure and function (SIFT, PolyPhen-2, Align-GVGD) all suggest that this variant is likely to be disruptive, but these predictions have not been confirmed by published functional studies and their clinical significance is uncertain. In summary, the available evidence is currently insufficient to determine the role of this variant in disease. Therefore, it has been classified as a Variant of Uncertain Significance.